The following is an entry in ClinVar:

ClinVar aggregate classification (germline): Likely benign. Review status: criteria provided, multiple submitters, no conflicts (2 of 4 stars). 2 submissions from 2 submitters: Likely benign (2). Last evaluated 2024-08-05.

Allele frequency attached by ClinVar (database versions not stated): gnomAD exomes below 0.00001; gnomAD 0.00001; TOPMed 0.00002.
gnomAD v4.1: 3 of 1,613,896 alleles (0.00019%); highest among the groups gnomAD compares: Middle Eastern, 0.016%; no homozygotes.

Submissions (2):

Labcorp Genetics (formerly Invitae), Labcorp
Classification: Likely benign. Last evaluated: 2024-08-05. Review status: criteria provided, single submitter. Criteria: Invitae Variant Classification Sherloc (09022015). Collection method: clinical testing. Allele origin: germline.

GeneDx
Classification: Likely benign. Last evaluated: 2018-04-10. Review status: criteria provided, single submitter. Criteria: GeneDx Variant Classification (06012015). Collection method: clinical testing. Allele origin: germline. Affected: yes.
Comment: This variant is considered likely benign or benign based on one or more of the following criteria: it is a conservative change, it occurs at a poorly conserved position in the protein, it is predicted to be benign by multiple in silico algorithms, and/or has population frequency not consistent with disease.

NM_001384140.1(PCDH15):c.2400T>C (p.His800=)

Gene: PCDH15 (protocadherin related 15; minus strand). Cytogenetic location: 10q21.1.
Variant type: single nucleotide variant.
Coding change: c.2400T>C on transcript NM_001384140.1 (MANE Select); coding-DNA position 2400, T replaced by C.
Protein change: p.His800=; no amino-acid change (histidine 800 retained).
Molecular consequence: synonymous variant.
Genome position (GRCh38, 1-based): chr10:54,023,018, A>G on the plus strand (T>C on the coding strand, the complement: PCDH15 is on the minus strand). VCF-style: chr10-54023018-A-G. GRCh37 (hg19) VCF-style: chr10-55782778-A-G.
Other names: c.2415T>C, p.His805= (NM_001142763.2, NM_001142771.2); c.2400T>C, p.His800= (NM_001142764.2, NM_001142766.2, NM_001142770.3 and 5 more transcripts); c.2187T>C, p.His729= (NM_001142765.2); c.2289T>C, p.His763= (NM_001142767.2); c.2334T>C, p.His778= (NM_001142768.2, NM_001142773.2, NM_001354404.2); c.2436T>C, p.His812= (NM_001142769.4); c.2421T>C, p.His807= (NM_001354411.2).
Identifiers: ClinVar variation 681163 (VCV000681163.8), dbSNP rs1400103823, ClinGen allele CA469545110.
Genomic context (GRCh38, chr10:54,023,018, plus strand): 5'-GGTGAACACAGGACTGTTATCATCAATGTCCAAAACCTTGATGGCCAAGGTTAGAGTTGA[A>G]TGACGAGGGTGTACTGCTCCATCTGTTGCCACAACAACAAGTTCATAGTAGTCCCTGACT-3'
Protein context (NP_001371069.1, residues 790-810): VATDGAVHPR[His800=]STLTLAIKVL